The following is an entry in ClinVar:

NM_000937.5(POLR2A):c.679C>T (p.Arg227Cys)

Gene: POLR2A (RNA polymerase II subunit A; plus strand). Cytogenetic location: 17p13.1.
Variant type: single nucleotide variant.
Coding change: c.679C>T on transcript NM_000937.5 (MANE Select); coding-DNA position 679, C replaced by T.
Protein change: p.Arg227Cys; replaces arginine 227 with cysteine.
Molecular consequence: missense variant.
Genome position (GRCh38, 1-based): chr17:7,496,905, C>T. VCF-style: chr17-7496905-C-T. GRCh37 (hg19) VCF-style: chr17-7400224-C-T.
Other names: short protein forms R227C.
Identifiers: ClinVar variation 3376362 (VCV003376362.1).
Genomic context (GRCh38, chr17:7,496,905, plus strand): 5'-GAGGACTCTCAGGAGAAGAAGATCCTGCTGAGTCCAGAGCGAGTGCATGAGATCTTCAAA[C>T]GCATCTCAGATGAGGAGTGTTTTGTGCTGGGCATGGAGCCCCGCTATGCACGGCCAGAGT-3'
Protein context (NP_000928.1, residues 217-237): SPERVHEIFK[Arg227Cys]ISDEECFVLG

ClinVar aggregate classification (germline): Uncertain significance (1 of 4 stars; one submission).

Conditions:
Neurodevelopmental disorder with hypotonia and variable intellectual and behavioral abnormalities. Identifiers: MedGen C5231423, MONDO:0032829, OMIM 618603.

Submission:

Pittsburgh Clinical Genomics Laboratory, University of Pittsburgh Medical Center
Classification: Uncertain significance for Neurodevelopmental disorder with hypotonia and variable intellectual and behavioral abnormalities. Last evaluated: 2024-02-06. Review status: criteria provided, single submitter. Criteria: ACMG Guidelines, 2015. Collection method: clinical testing. Allele origin: germline. Inheritance: Autosomal dominant inheritance. Affected: yes.
Comment: This sequence variant is a single nucleotide substitution (C>T) at position 679 of the coding sequence of the POLR2A gene that results in an arginine to cysteine amino acid change at residue 227 of the RNA polymerase II subunit A protein. This variant is absent from ClinVar and has not been observed in the published literature in individuals with POLR2A-related disorder, to our knowledge. This variant is present in 5/1614004 alleles (0.0003%) in the gnomAD population dataset. Multiple bioinformatic tools predict that this amino acid change would be damaging, and the Arg227 residue at this position is highly conserved across the vertebrate species examined. Studies examining the functional consequence of this variant have not been performed, to our knowledge. At this time, there is insufficient evidence to determine if this variant is pathogenic or benign. Therefore, we consider this a variant of uncertain significance. ACMG Criteria: PM2, PP3